The following is an entry in ClinVar:

NM_152641.4(ARID2):c.4252G>A (p.Gly1418Arg)

Gene: ARID2 (AT-rich interaction domain 2; plus strand). Cytogenetic location: 12q12.
Variant type: single nucleotide variant.
Coding change: c.4252G>A on transcript NM_152641.4 (MANE Select); coding-DNA position 4252, G replaced by A.
Protein change: p.Gly1418Arg; replaces glycine 1418 with arginine.
Molecular consequence: missense variant.
Genome position (GRCh38, 1-based): chr12:45,852,375, G>A. VCF-style: chr12-45852375-G-A. GRCh37 (hg19) VCF-style: chr12-46246158-G-A.
Other names: c.4252G>A, p.Gly1418Arg (NM_001347839.2); short protein forms G1418R.
Identifiers: ClinVar variation 1699045 (VCV001699045.3), dbSNP rs2138178282, ClinGen allele CA384490797.

ClinVar aggregate classification (germline): Uncertain significance (1 of 4 stars; one submission).

Conditions:
Coffin-Siris syndrome 6. Identifiers: MedGen C4540499, MONDO:0033492, OMIM 617808.

Allele frequency attached by ClinVar (database versions not stated): gnomAD exomes below 0.00001.
gnomAD v4.1: 1 of 1,614,144 alleles (0.000062%); highest among the groups gnomAD compares: Non-Finnish European, 0.000085%; no homozygotes.

Submission:

Victorian Clinical Genetics Services, Murdoch Childrens Research Institute
Classification: Uncertain significance for Coffin-Siris syndrome 6. Last evaluated: 2022-02-02. Review status: criteria provided, single submitter. Criteria: ACMG Guidelines, 2015. Collection method: clinical testing. Allele origin: germline. Inheritance: Autosomal dominant inheritance. Affected: yes.
Comment: Based on the classification scheme VCGS_Germline_v1.3.4, this variant is classified as VUS-3B. Following criteria are met: 0102 - Loss of function is a known mechanism of disease in this gene and is associated with ARID2-related Coffin-Siris syndrome (MIM#617808). (I) 0107 - This gene is associated with autosomal dominant disease. (I) 0200 - Variant is predicted to result in a missense amino acid change from glycine to arginine. (I) 0251 - This variant is heterozygous. (I) 0301 - Variant is absent from gnomAD (both v2 and v3). (SP) 0309 - An alternative amino acid change at the same position has been observed in gnomAD (v2) (1 heterozygote, 0 homozygotes). (I) 0501 - Missense variant consistently predicted to be damaging by multiple in silico tools or highly conserved with a major amino acid change. (SP) 0604 - Variant is not located in an established domain, motif, hotspot or informative constraint region. (I) 0705 - No comparable missense variants have previous evidence for pathogenicity. (I) 0807 - This variant has no previous evidence of pathogenicity. (I) 0905 - No published segregation evidence has been identified for this variant. (I) 1007 - No published functional evidence has been identified for this variant. (I) 1208 - Inheritance information for this variant is not currently available in this individual. (I) Legend: (SP) - Supporting pathogenic, (I) - Information, (SB) - Supporting benign